The following is an entry in ClinVar:

ClinVar aggregate classification (germline): Likely benign (1 of 4 stars; one submission).

Conditions:
DLG1-related disorder. Also called: DLG1-related condition.

gnomAD v4.1: 1,431 of 1,533,376 alleles (0.093%); highest among the groups gnomAD compares: Non-Finnish European, 0.093%; 2 homozygotes.

Submission:

PreventionGenetics, part of Exact Sciences
Classification: Likely benign for DLG1-related condition. Last evaluated: 2026-06-30. Review status: criteria provided, single submitter. Criteria: ACMG Guidelines, 2015. Collection method: clinical testing. Allele origin: germline.
Comment: This variant is classified as likely benign based on ACMG/AMP sequence variant interpretation guidelines (Richards et al. 2015 PMID: 25741868, with internal and published modifications).

NM_001366207.1(DLG1):c.483+8A>T

Gene: DLG1 (discs large MAGUK scaffold protein 1; minus strand). Cytogenetic location: 3q29.
Variant type: single nucleotide variant.
Coding change: c.483+8A>T on transcript NM_001366207.1 (MANE Select); 8 bases into the intron after coding-DNA position 483, A replaced by T.
Molecular consequence: intron variant.
Genome position (GRCh38, 1-based): chr3:197,194,417, T>A on the plus strand (A>T on the coding strand, the complement: DLG1 is on the minus strand). VCF-style: chr3-197194417-T-A. GRCh37 (hg19) VCF-style: chr3-196921288-T-A.
Other names: c.483+8A>T (NM_001366203.1, NM_001290983.2, NM_001366204.1 and 19 more transcripts).
Identifiers: ClinVar variation 4984454 (VCV004984454.1).